The following is an entry in ClinVar:

NM_138295.5(PKD1L1):c.5463T>C (p.Cys1821=)

Gene: PKD1L1 (polycystin 1 like 1, transient receptor potential channel interacting; minus strand). Cytogenetic location: 7p12.3.
Variant type: single nucleotide variant.
Coding change: c.5463T>C on transcript NM_138295.5 (MANE Select); coding-DNA position 5463, T replaced by C.
Protein change: p.Cys1821=; no amino-acid change (cysteine 1821 retained).
Molecular consequence: synonymous variant.
Genome position (GRCh38, 1-based): chr7:47,840,550, A>G on the plus strand (T>C on the coding strand, the complement: PKD1L1 is on the minus strand). VCF-style: chr7-47840550-A-G. GRCh37 (hg19) VCF-style: chr7-47880148-A-G.
Identifiers: ClinVar variation 4987179 (VCV004987179.1).
Genomic context (GRCh38, chr7:47,840,550, plus strand): 5'-TTCAAACAGGGGCTTCTCTGGACAGGAGAGCTCCTTGGTTTCTGACAGTCCATTGTCGCC[A>G]CATAAAACAATGTACACCTCAAAACAAAGAACAGGGGTGGGAACTCAGGCTATTTCACAG-3'
Protein context (NP_612152.1, residues 1811-1831): RLTSKVYIVL[Cys1821=]GDNGLSETKE

ClinVar aggregate classification (germline): Likely benign (1 of 4 stars; one submission).

Conditions:
PKD1L1-related disorder. Also called: PKD1L1-related condition.

gnomAD v4.1: 15 of 1,613,862 alleles (0.00093%); highest among the groups gnomAD compares: Admixed American, 0.015%; no homozygotes.

Submission:

PreventionGenetics, part of Exact Sciences
Classification: Likely benign for PKD1L1-related condition. Last evaluated: 2024-11-13. Review status: criteria provided, single submitter. Criteria: ACMG Guidelines, 2015. Collection method: clinical testing. Allele origin: germline.
Comment: This variant is classified as likely benign based on ACMG/AMP sequence variant interpretation guidelines (Richards et al. 2015 PMID: 25741868, with internal and published modifications).